The following is an entry in ClinVar:

NM_001201543.2(FAM161A):c.1551G>A (p.Thr517=)

Gene: FAM161A (FAM161 centrosomal protein A; minus strand). Cytogenetic location: 2p15.
Variant type: single nucleotide variant.
Coding change: c.1551G>A on transcript NM_001201543.2 (MANE Select); coding-DNA position 1551, G replaced by A.
Protein change: p.Thr517=; no amino-acid change (threonine 517 retained).
Molecular consequence: synonymous variant. On other transcripts: non-coding transcript variant (1).
Genome position (GRCh38, 1-based): chr2:61,839,453, C>T on the plus strand (G>A on the coding strand, the complement: FAM161A is on the minus strand). VCF-style: chr2-61839453-C-T. GRCh37 (hg19) VCF-style: chr2-62066588-C-T.
Other names: c.1551G>A, p.Thr517= (NM_032180.3).
Identifiers: ClinVar variation 714957 (VCV000714957.15), dbSNP rs143622468, ClinGen allele CA1679126.

ClinVar aggregate classification (germline): Benign/Likely benign. Review status: criteria provided, multiple submitters, no conflicts (2 of 4 stars). 5 submissions from 5 submitters: Benign (3); Likely benign (1). 1 of the submissions does not count toward it. Last evaluated 2026-09-22.

Conditions:
FAM161A-related disorder. Also called: FAM161A-related condition.
Retinitis pigmentosa 28 (RP28). Identifiers: Orphanet 791, MedGen C1419614, MONDO:0011630, OMIM 606068.

Allele frequency attached by ClinVar (database versions not stated): gnomAD exomes 0.00061; ExAC 0.00070; ESP Exome Variant Server 0.00195; gnomAD 0.00235 and 0.00248; 1000 Genomes Project 0.00240; 1000 Genomes Project 30x 0.00250; TOPMed 0.00264.
gnomAD v4.1: 671 of 1,614,114 alleles (0.042%); highest among the groups gnomAD compares: African/African-American, 0.75%; 4 homozygotes.

Submissions (5):

PreventionGenetics, part of Exact Sciences
Classification: Benign for FAM161A-related condition. Last evaluated: 2026-09-22. Review status: criteria provided, single submitter. Criteria: ACMG Guidelines, 2015. Collection method: clinical testing. Allele origin: germline.
Comment: This variant is classified as benign based on ACMG/AMP sequence variant interpretation guidelines (Richards et al. 2015 PMID: 25741868, with internal and published modifications).

Labcorp Genetics (formerly Invitae), Labcorp
Classification: Benign. Last evaluated: 2026-02-01. Review status: criteria provided, single submitter. Criteria: Invitae Variant Classification Sherloc (09022015). Collection method: clinical testing. Allele origin: germline.

Blueprint Genetics
Classification: Likely benign. Last evaluated: 2024-11-13. Review status: criteria provided, single submitter. Criteria: ACMG Guidelines, 2015. Collection method: clinical testing. Allele origin: germline.

Breakthrough Genomics
Classification: Benign. Review status: criteria provided, single submitter. Criteria: ACMG Guidelines, 2015. Collection method: not provided. Allele origin: germline. Inheritance: Unknown mechanism. Affected: yes.

Natera, Inc.
Classification: Likely benign for Retinitis pigmentosa type 28. Last evaluated: 2020-06-04. Review status: no assertion criteria provided. Collection method: clinical testing. Allele origin: germline. Not counted in ClinVar's aggregate classification.